The following is an entry in ClinVar:

NM_004817.4(TJP2):c.61-7242A>G

Gene: TJP2 (tight junction protein 2; plus strand). Cytogenetic location: 9q21.11.
Variant type: single nucleotide variant.
Coding change: c.61-7242A>G on transcript NM_004817.4 (MANE Select); 7242 bases into the intron before coding-DNA position 61, A replaced by G.
Molecular consequence: intron variant. On other transcripts: missense variant (1).
Genome position (GRCh38, 1-based): chr9:69,205,306, A>G. VCF-style: chr9-69205306-A-G. GRCh37 (hg19) VCF-style: chr9-71820222-A-G.
Other names: c.145A>G, p.Ile49Val (NM_001170416.2); c.-9-7242A>G (NM_001170414.2, NM_001369870.1, NM_001369871.1); c.61-7242A>G (NM_201629.3, NM_001369872.1, NM_001369873.1); c.72+73A>G (NM_001170415.1, NM_001369875.1, NM_001369874.1); short protein forms I49V.
Identifiers: ClinVar variation 4984248 (VCV004984248.1).
Genomic context (GRCh38, chr9:69,205,306, plus strand): 5'-GCAAGCTCTCCCCTTGTTTTCCCCAACCTTTCTTCATGGGAAGGGGAGGGAAGCAAAACC[A>G]TTCTCACAGTGAGTCCTTTATCCTCAGATTGATTTGTGCTTCTGGCATCTTTCAGCAACA-3'

ClinVar aggregate classification (germline): Uncertain significance (1 of 4 stars; one submission).

Conditions:
TJP2-related disorder. Also called: TJP2-related condition.

gnomAD v4.1: 7 of 1,536,034 alleles (0.00046%); highest among the groups gnomAD compares: Non-Finnish European, 0.00061%; no homozygotes.

Submission:

PreventionGenetics, part of Exact Sciences
Classification: Uncertain significance for TJP2-related condition. Last evaluated: 2025-01-19. Review status: criteria provided, single submitter. Criteria: ACMG Guidelines, 2015. Collection method: clinical testing. Allele origin: germline.
Comment: The TJP2 c.145A>G variant is predicted to result in the amino acid substitution p.Ile49Val. In an alternative transcript (NM_004817.3), this variant is found within an intronic region (c.61-7242A>G). To our knowledge, this variant has not been reported in the literature or in a large population database (gnomAD), indicating this variant is rare. At this time, the clinical significance of this variant is uncertain due to the absence of conclusive functional and genetic evidence.